The following is an entry in ClinVar:

NM_004360.5(CDH1):c.1107C>T (p.Asn369=)

Gene: CDH1 (cadherin 1; plus strand). Cytogenetic location: 16q22.1.
Variant type: single nucleotide variant.
Coding change: c.1107C>T on transcript NM_004360.5 (MANE Select); coding-DNA position 1107, C replaced by T.
Protein change: p.Asn369=; no amino-acid change (asparagine 369 retained).
Molecular consequence: synonymous variant. On other transcripts: 5 prime UTR variant (2).
Genome position (GRCh38, 1-based): chr16:68,812,233, C>T. VCF-style: chr16-68812233-C-T. GRCh37 (hg19) VCF-style: chr16-68846136-C-T.
Other names: c.1107C>T (LRG_301t1); c.1107C>T, p.Asn369= (NM_001317184.2); c.-509C>T (NM_001317185.2); c.-713C>T (NM_001317186.2).
Identifiers: ClinVar variation 183964 (VCV000183964.20), dbSNP rs786201189, ClinGen allele CA187330.

ClinVar aggregate classification (germline): Benign/Likely benign. Review status: criteria provided, multiple submitters, no conflicts (2 of 4 stars). 6 submissions from 6 submitters: Benign (1); Likely benign (5). Last evaluated 2025-07-25.

Conditions:
Familial cancer of breast. Also called: BREAST CANCER, FAMILIAL; hereditary breast carcinoma; Hereditary breast cancer. Identifiers: Orphanet 227535, MedGen C0346153, MONDO:0016419, OMIM 114480. Disease mechanism: loss of function.
Ovarian cancer. Also called: OVARIAN CANCER, SOMATIC. Identifiers: Orphanet 213500, MedGen C1140680, MONDO:0008170, OMIM 167000.
Hereditary cancer-predisposing syndrome. Also called: Tumor predisposition; Hereditary Cancer Syndrome; Hereditary neoplastic syndrome; Neoplastic Syndromes, Hereditary. Identifiers: Orphanet 140162, MedGen C0027672, MeSH D009386, MONDO:0015356.
Hereditary diffuse gastric adenocarcinoma (HDGC). Also called: DIFFUSE GASTRIC AND LOBULAR BREAST CANCER SYNDROME. Identifiers: Orphanet 26106, MedGen C1708349, MONDO:0007648, OMIM 137215.

Allele frequency attached by ClinVar (database versions not stated): gnomAD exomes below 0.00001.
gnomAD v4.1: 5 of 1,614,152 alleles (0.00031%); highest among the groups gnomAD compares: South Asian, 0.0022%; no homozygotes.

Submissions (6):

Labcorp Genetics (formerly Invitae), Labcorp
Classification: Likely benign for Hereditary diffuse gastric adenocarcinoma. Last evaluated: 2025-07-25. Review status: criteria provided, single submitter. Criteria: Invitae Variant Classification Sherloc (09022015). Collection method: clinical testing. Allele origin: germline.

Myriad Genetics, Inc.
Classification: Benign for Hereditary diffuse gastric adenocarcinoma. Last evaluated: 2024-09-18. Review status: criteria provided, single submitter. Criteria: Myriad Autosomal Dominant, Autosomal Recessive and X-Linked Classification Criteria (2023). Collection method: clinical testing. Allele origin: unknown.
Comment: This variant is considered benign. This variant is a silent/synonymous amino acid change and it is not expected to impact splicing.

Department of Pathology and Laboratory Medicine, Sinai Health System
Classification: Likely benign for Familial cancer of breast; Ovarian cancer. Last evaluated: 2023-03-09. Review status: criteria provided, single submitter. Criteria: ACMG Guidelines, 2015. Collection method: clinical testing. Allele origin: germline. Affected: yes.

Color Diagnostics, LLC DBA Color Health
Classification: Likely benign for Hereditary cancer-predisposing syndrome. Last evaluated: 2018-05-10. Review status: criteria provided, single submitter. Criteria: ACMG Guidelines, 2015. Collection method: clinical testing. Allele origin: germline.

GeneDx
Classification: Likely benign. Last evaluated: 2017-10-13. Review status: criteria provided, single submitter. Criteria: GeneDx Variant Classification (06012015). Collection method: clinical testing. Allele origin: germline. Affected: yes.
Comment: This variant is considered likely benign or benign based on one or more of the following criteria: it is a conservative change, it occurs at a poorly conserved position in the protein, it is predicted to be benign by multiple in silico algorithms, and/or has population frequency not consistent with disease.

Ambry Genetics
Classification: Likely benign for Hereditary cancer-predisposing syndrome. Last evaluated: 2014-12-09. Review status: criteria provided, single submitter. Criteria: Ambry Variant Classification Scheme 2023. Collection method: clinical testing. Allele origin: germline.